The following is an entry in ClinVar:

ClinVar aggregate classification (germline): Benign/Likely benign. Review status: criteria provided, multiple submitters, no conflicts (2 of 4 stars). 7 submissions from 7 submitters: Benign (1); Likely benign (5). 1 of the submissions does not count toward it. Last evaluated 2026-05-21.

Conditions:
NF1-related disorder. Also called: NF1-related condition. Identifiers: MedGen CN379171.
Hereditary cancer-predisposing syndrome. Also called: Tumor predisposition; Hereditary neoplastic syndrome; Neoplastic Syndromes, Hereditary; Hereditary Cancer Syndrome. Identifiers: Orphanet 140162, MedGen C0027672, MeSH D009386, MONDO:0015356.
Neurofibromatosis, type 1 (NF1). Also called: Neurofibromatosis, type I; NEUROFIBROMATOSIS, TYPE I, SOMATIC; VON RECKLINGHAUSEN DISEASE; Peripheral type neurofibromatosis. Identifiers: Orphanet 636, MedGen C0027831, MONDO:0018975, OMIM 162200. Disease mechanism: loss of function.

Allele frequency attached by ClinVar (database versions not stated): gnomAD exomes 0.00002 and 0.00001; ExAC 0.00001; gnomAD 0.00001; TOPMed 0.00002.
gnomAD v4.1: 13 of 1,613,638 alleles (0.00081%); highest among the groups gnomAD compares: Admixed American, 0.005%; no homozygotes.

Submissions (7):

Myriad Genetics, Inc.
Classification: Benign for Neurofibromatosis, type 1. Last evaluated: 2026-05-21. Review status: criteria provided, single submitter. Criteria: Myriad Autosomal Dominant, Autosomal Recessive and X-Linked Classification Criteria (2023). Collection method: clinical testing. Allele origin: unknown.
Comment: This variant is considered benign. This variant is a silent/synonymous amino acid change and it is not expected to impact splicing.

Labcorp Genetics (formerly Invitae), Labcorp
Classification: Likely benign for Neurofibromatosis, type 1. Last evaluated: 2025-12-09. Review status: criteria provided, single submitter. Criteria: Invitae Variant Classification Sherloc (09022015). Collection method: clinical testing. Allele origin: germline.

Women's Health and Genetics/Laboratory Corporation of America, LabCorp
Classification: Likely benign. Last evaluated: 2024-09-30. Review status: criteria provided, single submitter. Criteria: LabCorp Variant Classification Summary - May 2015. Collection method: clinical testing. Allele origin: germline.

Genome-Nilou Lab
Classification: Likely benign for Neurofibromatosis, type 1. Last evaluated: 2022-03-15. Review status: criteria provided, single submitter. Criteria: ACMG Guidelines, 2015. Collection method: clinical testing. Allele origin: germline. Affected: no.

GeneDx
Classification: Likely benign. Last evaluated: 2020-07-10. Review status: criteria provided, single submitter. Criteria: GeneDx Variant Classification Process June 2021. Collection method: clinical testing. Allele origin: germline. Affected: yes.

Ambry Genetics
Classification: Likely benign for Hereditary cancer-predisposing syndrome. Last evaluated: 2014-06-30. Review status: criteria provided, single submitter. Criteria: Ambry Autosomal Dominant and X-Linked criteria (10/2015). Collection method: clinical testing. Allele origin: germline. Observed: 1 variant allele.

PreventionGenetics, part of Exact Sciences
Classification: Likely benign for NF1-related condition. Last evaluated: 2019-04-09. Review status: no assertion criteria provided. Collection method: clinical testing. Allele origin: germline. Not counted in ClinVar's aggregate classification.
Comment: This variant is classified as likely benign based on ACMG/AMP sequence variant interpretation guidelines (Richards et al. 2015 PMID: 25741868, with internal and published modifications).

Literature cited by the submitters: PubMed 10678181 (cited by Women's Health and Genetics/Laboratory Corporation of America, LabCorp); PubMed 23460398 (cited by Women's Health and Genetics/Laboratory Corporation of America, LabCorp); PubMed 29872168 (cited by Women's Health and Genetics/Laboratory Corporation of America, LabCorp).

NM_001042492.3(NF1):c.6345G>A (p.Pro2115=)

Gene: NF1 (neurofibromin 1; plus strand). Cytogenetic location: 17q11.2.
Variant type: single nucleotide variant.
Coding change: c.6345G>A on transcript NM_001042492.3 (MANE Select); coding-DNA position 6345, G replaced by A.
Protein change: p.Pro2115=; no amino-acid change (proline 2115 retained).
Molecular consequence: synonymous variant.
Genome position (GRCh38, 1-based): chr17:31,336,832, G>A. VCF-style: chr17-31336832-G-A. GRCh37 (hg19) VCF-style: chr17-29663850-G-A.
Other names: c.6282G>A, p.Pro2094= (NM_000267.4).
Identifiers: ClinVar variation 185087 (VCV000185087.19), dbSNP rs779475182, ClinGen allele CA190970.